The following is an entry in ClinVar:

NM_001605.3(AARS1):c.2335G>A (p.Ala779Thr)

Gene: AARS1 (alanyl-tRNA synthetase 1; minus strand). Cytogenetic location: 16q22.1.
Variant type: single nucleotide variant.
Coding change: c.2335G>A on transcript NM_001605.3 (MANE Select); coding-DNA position 2335, G replaced by A.
Protein change: p.Ala779Thr; replaces alanine 779 with threonine.
Molecular consequence: missense variant.
Genome position (GRCh38, 1-based): chr16:70,254,686, C>T on the plus strand (G>A on the coding strand, the complement: AARS1 is on the minus strand). VCF-style: chr16-70254686-C-T. GRCh37 (hg19) VCF-style: chr16-70288589-C-T.
Other names: short protein forms A779T.
Identifiers: ClinVar variation 961684 (VCV000961684.11), dbSNP rs767954906, ClinGen allele CA8140460.

ClinVar aggregate classification (germline): Uncertain significance. Review status: criteria provided, multiple submitters, no conflicts (2 of 4 stars). 2 submissions from 2 submitters: Uncertain significance (2). Last evaluated 2023-01-21.

Conditions:
Charcot-Marie-Tooth disease type 2. Also called: Charcot-Marie-Tooth type 2. Identifiers: Orphanet 64746, MedGen C0270914, MONDO:0018993.
Inborn genetic diseases. Identifiers: MedGen C0950123, MeSH D030342.

Allele frequency attached by ClinVar (database versions not stated): gnomAD exomes below 0.00001; ExAC 0.00001; gnomAD 0.00001.
gnomAD v4.1: 1 of 1,614,014 alleles (0.000062%); highest among the groups gnomAD compares: Non-Finnish European, 0.000085%; no homozygotes.

Submissions (2):

Labcorp Genetics (formerly Invitae), Labcorp
Classification: Uncertain significance for Charcot-Marie-Tooth disease type 2. Last evaluated: 2023-01-21. Review status: criteria provided, single submitter. Criteria: Invitae Variant Classification Sherloc (09022015). Collection method: clinical testing. Allele origin: germline.
Comment: This variant has not been reported in the literature in individuals affected with AARS-related conditions. This variant is present in population databases (rs767954906, gnomAD 0.0009%). This sequence change replaces alanine, which is neutral and non-polar, with threonine, which is neutral and polar, at codon 779 of the AARS protein (p.Ala779Thr). ClinVar contains an entry for this variant (Variation ID: 961684). In summary, the available evidence is currently insufficient to determine the role of this variant in disease. Therefore, it has been classified as a Variant of Uncertain Significance. Advanced modeling of protein sequence and biophysical properties (such as structural, functional, and spatial information, amino acid conservation, physicochemical variation, residue mobility, and thermodynamic stability) performed at Invitae indicates that this missense variant is not expected to disrupt AARS protein function.

Ambry Genetics
Classification: Uncertain significance for Inborn genetic diseases. Last evaluated: 2020-02-19. Review status: criteria provided, single submitter. Criteria: Ambry Variant Classification Scheme 2023. Collection method: clinical testing. Allele origin: germline.
Comment: The p.A779T variant (also known as c.2335G>A), located in coding exon 16 of the AARS gene, results from a G to A substitution at nucleotide position 2335. The alanine at codon 779 is replaced by threonine, an amino acid with similar properties. This amino acid position is not well conserved in available vertebrate species. In addition, this alteration is predicted to be tolerated by in silico analysis. Since supporting evidence is limited at this time, the clinical significance of this alteration remains unclear.